The following is an entry in ClinVar:

NM_004304.5(ALK):c.875G>A (p.Arg292His)

Gene: ALK (ALK receptor tyrosine kinase; minus strand). Cytogenetic location: 2p23.2.
Variant type: single nucleotide variant.
Coding change: c.875G>A on transcript NM_004304.5 (MANE Select); coding-DNA position 875, G replaced by A.
Protein change: p.Arg292His; replaces arginine 292 with histidine.
Molecular consequence: missense variant.
Genome position (GRCh38, 1-based): chr2:29,694,927, C>T on the plus strand (G>A on the coding strand, the complement: ALK is on the minus strand). VCF-style: chr2-29694927-C-T. GRCh37 (hg19) VCF-style: chr2-29917793-C-T.
Other names: short protein forms R292H.
Identifiers: ClinVar variation 404322 (VCV000404322.15), dbSNP rs149145987, ClinGen allele CA1594830.
Genomic context (GRCh38, chr2:29,694,927, plus strand): 5'-GAACGCTCTGCCCCAGGCCCATCCAGCAAGTCCATCTGGGAGGCCTCCTCGGAGGGGATG[C>T]GGCGCCAGGACCAGCTCTGGTTCCTGAGGTCATGCAGTGGAGGGGAATACTCCAGCTCAC-3'
Protein context (NP_004295.2, residues 282-302): DLRNQSWSWR[Arg292His]IPSEEASQMD

ClinVar aggregate classification (germline): Conflicting classifications of pathogenicity. Review status: criteria provided, conflicting classifications (1 of 4 stars). 5 submissions from 5 submitters: Uncertain significance (3); Likely benign (2). Last evaluated 2026-01-24.

Conditions:
Hereditary cancer-predisposing syndrome. Also called: Tumor predisposition; Neoplastic Syndromes, Hereditary; Hereditary Cancer Syndrome; Hereditary neoplastic syndrome. Identifiers: Orphanet 140162, MedGen C0027672, MeSH D009386, MONDO:0015356.
Neuroblastoma, susceptibility to, 3. Also called: ALK-Related Neuroblastic Tumor Susceptibility. Identifiers: Orphanet 635, MedGen C2751681, MONDO:0013083, OMIM 613014.

Allele frequency attached by ClinVar (database versions not stated): ExAC 0.00004; ESP Exome Variant Server 0.00008; gnomAD 0.00008; TOPMed 0.00011; 1000 Genomes Project 30x 0.00016; 1000 Genomes Project 0.00020.
gnomAD v4.1: 42 of 1,614,092 alleles (0.0026%); highest among the groups gnomAD compares: Admixed American, 0.017%; no homozygotes.

Submissions (5):

Labcorp Genetics (formerly Invitae), Labcorp
Classification: Uncertain significance for Neuroblastoma, susceptibility to, 3. Last evaluated: 2026-01-24. Review status: criteria provided, single submitter. Criteria: Invitae Variant Classification Sherloc (09022015). Collection method: clinical testing. Allele origin: germline.
Comment: This sequence change replaces arginine, which is basic and polar, with histidine, which is basic and polar, at codon 292 of the ALK protein (p.Arg292His). This variant is present in population databases (rs149145987, gnomAD 0.03%). This variant has not been reported in the literature in individuals affected with ALK-related conditions. ClinVar contains an entry for this variant (Variation ID: 404322). An algorithm developed to predict the effect of missense changes on protein structure and function outputs the following: PolyPhen-2: "Benign". The histidine amino acid residue is found in multiple mammalian species, which suggests that this missense change does not adversely affect protein function. In summary, the available evidence is currently insufficient to determine the role of this variant in disease. Therefore, it has been classified as a Variant of Uncertain Significance.

Ambry Genetics
Classification: Likely benign for Hereditary cancer-predisposing syndrome. Last evaluated: 2024-08-20. Review status: criteria provided, single submitter. Criteria: Ambry Variant Classification Scheme 2023. Collection method: clinical testing. Allele origin: germline.

Baylor Genetics
Classification: Uncertain significance for Neuroblastoma, susceptibility to, 3. Last evaluated: 2024-03-06. Review status: criteria provided, single submitter. Criteria: ACMG Guidelines, 2015. Collection method: clinical testing. Allele origin: unknown.

GeneDx
Classification: Uncertain significance. Last evaluated: 2023-12-19. Review status: criteria provided, single submitter. Criteria: GeneDx Variant Classification Process June 2021. Collection method: clinical testing. Allele origin: germline. Affected: yes.
Comment: In silico analysis supports that this missense variant does not alter protein structure/function; Has not been previously published as pathogenic or benign to our knowledge

Sema4
Classification: Likely benign for Hereditary cancer-predisposing syndrome. Last evaluated: 2021-09-18. Review status: criteria provided, single submitter. Criteria: Sema4 Curation Guidelines. Collection method: curation. Allele origin: germline.